The following is an entry in ClinVar:

NM_170606.3(KMT2C):c.6304C>T (p.His2102Tyr)

Gene: KMT2C (lysine methyltransferase 2C; minus strand). Cytogenetic location: 7q36.1.
Variant type: single nucleotide variant.
Coding change: c.6304C>T on transcript NM_170606.3 (MANE Select); coding-DNA position 6304, C replaced by T.
Protein change: p.His2102Tyr; replaces histidine 2102 with tyrosine.
Molecular consequence: missense variant.
Genome position (GRCh38, 1-based): chr7:152,181,556, G>A on the plus strand (C>T on the coding strand, the complement: KMT2C is on the minus strand). VCF-style: chr7-152181556-G-A. GRCh37 (hg19) VCF-style: chr7-151878641-G-A.
Other names: short protein forms H2102Y.
Identifiers: ClinVar variation 2430609 (VCV002430609.2), dbSNP rs2129120073, ClinGen allele CA370095438.

ClinVar aggregate classification (germline): Uncertain significance (1 of 4 stars; one submission).

Submission:

GeneDx
Classification: Uncertain significance. Last evaluated: 2025-08-02. Review status: criteria provided, single submitter. Criteria: GeneDx Variant Classification Process June 2021. Collection method: clinical testing. Allele origin: germline.
Comment: Not observed at significant frequency in large population cohorts (gnomAD); In silico analysis supports that this missense variant has a deleterious effect on protein structure/function; Has not been previously published as pathogenic or benign to our knowledge